The following is an entry in ClinVar:

ClinVar aggregate classification (germline): Pathogenic/Likely pathogenic. Review status: criteria provided, multiple submitters, no conflicts (2 of 4 stars). 5 submissions from 5 submitters: Pathogenic (1); Likely pathogenic (4). Last evaluated 2025-07-25.

Conditions:
ATP6V0A4-related disorder. Also called: ATP6V0A4-related condition.
Renal tubular acidosis, distal, 3, with or without sensorineural hearing loss (DRTA3). Identifiers: MedGen C5399980, MONDO:0011268, OMIM 602722.
Renal tubulopathies.
Sensorineural hearing loss disorder. Also called: Sensorineural hearing loss; Sensorineural Deafness; Sensorineural hearing impairment. Identifiers: MedGen C0018784, MeSH D006319, MONDO:0020678, HP:0000407.

Submissions (5):

Genetics Laboratory, Great Ormond Street Hospital NHS Foundation Trust, North Thames Genomic Laboratory Hub
Classification: Likely pathogenic for Renal tubulopathies. Last evaluated: 2025-07-25. Review status: criteria provided, single submitter. Criteria: ACGS Best Practice Guidelines for Variant Classification in Rare Disease 2024 v1.2. Collection method: clinical testing. Allele origin: germline. Affected: yes.
Comment: PM2_moderate, PM4_supporting, PM3_moderate, PP4_supporting

Fulgent Genetics
Classification: Likely pathogenic for Renal tubular acidosis, distal, 3, with or without sensorineural hearing loss. Last evaluated: 2024-06-05. Review status: criteria provided, single submitter. Criteria: ACMG Guidelines, 2015. Collection method: clinical testing. Allele origin: germline.

Labcorp Genetics (formerly Invitae), Labcorp
Classification: Pathogenic. Last evaluated: 2024-02-23. Review status: criteria provided, single submitter. Criteria: Invitae Variant Classification Sherloc (09022015). Collection method: clinical testing. Allele origin: germline.
Comment: This variant, c.710_712del, results in the deletion of 1 amino acid(s) of the ATP6V0A4 protein (p.Lys237del), but otherwise preserves the integrity of the reading frame. This variant is present in population databases (rs746982385, gnomAD 0.003%). This variant has been observed in individual(s) with renal tubular acidosis (PMID: 12414817, 28233610, 33713422). It has also been observed to segregate with disease in related individuals. Experimental studies and prediction algorithms are not available or were not evaluated, and the functional significance of this variant is currently unknown. For these reasons, this variant has been classified as Pathogenic.

Blueprint Genetics
Classification: Likely pathogenic for ATP6V0A4-related disorders. Last evaluated: 2021-05-10. Review status: criteria provided, single submitter. Criteria: ACMG Guidelines, 2015. Collection method: clinical testing. Allele origin: germline. Affected: yes. Observed: 1 variant allele.

Genetics Research Center, University of Social Welfare and Rehabilitation Sciences
Classification: Likely pathogenic for Sensorineural hearing loss disorder. Last evaluated: 2020-09-30. Review status: criteria provided, single submitter. Criteria: ACMG Guidelines, 2015. Collection method: clinical testing. Allele origin: germline. Affected: yes.

Literature cited by the submitters: PubMed 12414817 (cited by Labcorp Genetics (formerly Invitae), Labcorp); PubMed 28233610 (cited by Labcorp Genetics (formerly Invitae), Labcorp); PubMed 33713422 (cited by Labcorp Genetics (formerly Invitae), Labcorp).

NM_020632.3(ATP6V0A4):c.707AGA[1] (p.Lys237del)

Gene: ATP6V0A4 (ATPase H+ transporting V0 subunit a4; minus strand). Cytogenetic location: 7q34.
Variant type: Microsatellite.
Coding change: c.707AGA[1] on transcript NM_020632.3 (MANE Select); one copy of the 3-base unit AGA starting at c.707; the reference has two copies in a row; one copy, 3 bases deleted; also written c.710_712del.
Protein change: p.Lys237del; deletes lysine 237.
Molecular consequence: inframe deletion.
Genome position (GRCh38, 1-based): chr7:138,756,468-138,756,470, TCT deleted on the plus strand (AGA on the coding strand, the reverse complement: ATP6V0A4 is on the minus strand); deleting any 3 consecutive bases within chr7:138,756,468-138,756,474 gives the same sequence; the position shown is the placement nearest the transcript's 3' end. VCF-style (leftmost placement, unchanged base first): chr7-138756467-ATCT-A. GRCh37 (hg19) VCF-style: chr7-138441212-ATCT-A.
Other names: c.707AGA[1], p.Lys237del (NM_130840.3, NM_130841.3); c.710_712del (NM_130840.3, NM_020632.3); short protein forms K237del.
Identifiers: ClinVar variation 984398 (VCV000984398.10), dbSNP rs746982385, ClinGen allele CA4505034.